The following is an entry in ClinVar:

NM_000257.4(MYH7):c.5415C>T (p.Leu1805=)

Gene: MYH7 (myosin heavy chain 7; minus strand). Cytogenetic location: 14q11.2.
Variant type: single nucleotide variant.
Coding change: c.5415C>T on transcript NM_000257.4 (MANE Select); coding-DNA position 5415, C replaced by T.
Protein change: p.Leu1805=; no amino-acid change (leucine 1805 retained).
Molecular consequence: synonymous variant.
Genome position (GRCh38, 1-based): chr14:23,415,139, G>A on the plus strand (C>T on the coding strand, the complement: MYH7 is on the minus strand). VCF-style: chr14-23415139-G-A. GRCh37 (hg19) VCF-style: chr14-23884348-G-A.
Other names: c.5415C>T, p.Leu1805= (NM_001407004.1).
Identifiers: ClinVar variation 3073508 (VCV003073508.1), dbSNP rs1892134235, ClinGen allele CA485766165.

ClinVar aggregate classification (germline): Likely benign (1 of 4 stars; one submission).

Conditions:
Cardiomyopathy (CMYO). Also called: Cardiomyopathies. Identifiers: Orphanet 167848, MedGen C0878544, MONDO:0004994, HP:0001638. Inheritance: Various modes of inheritance.

Submission:

All of Us Research Program, National Institutes of Health
Classification: Likely benign for Cardiomyopathy. Last evaluated: 2023-10-02. Review status: criteria provided, single submitter. Criteria: ACMG Guidelines, 2015. Collection method: clinical testing. Allele origin: germline. Inheritance: Autosomal dominant inheritance. Observed: 1 variant allele, 1 heterozygote.
Comment: This study involves interpretation of variants in research participants for the purpose of population health screening. Participant phenotype was not available at the time of variant classification. Additional details can be found in publication PMID: 35346344, PMCID: PMC8962531